The following is an entry in ClinVar:

ClinVar aggregate classification (germline): Pathogenic (1 of 4 stars; one submission).

Conditions:
Donnai-Barrow syndrome. Also called: DBS/FOAR SYNDROME; FACIOOCULOACOUSTICORENAL SYNDROME. Identifiers: Orphanet 2143, MedGen C1857277, MONDO:0009104, OMIM 222448.

Submission:

Myriad Genetics, Inc.
Classification: Pathogenic for Donnai-Barrow syndrome. Last evaluated: 2024-05-03. Review status: criteria provided, single submitter. Criteria: Myriad Autosomal Dominant, Autosomal Recessive and X-Linked Classification Criteria (2023). Collection method: clinical testing. Allele origin: unknown.
Comment: NM_004525.2(LRP2):c.1008T>G(Y336*) is expected to be pathogenic in the context of Donnai-Barrow syndrome. This variant is predicted to lead to an abnormal or absent protein product due to the creation of a premature termination codon in LRP2, a gene where loss-of-function variants are known to be pathogenic. Please note: this variant was assessed in the context of healthy population screening.

NM_004525.3(LRP2):c.1008T>G (p.Tyr336Ter)

Gene: LRP2 (LDL receptor related protein 2; minus strand). Cytogenetic location: 2q31.1.
Variant type: single nucleotide variant.
Coding change: c.1008T>G on transcript NM_004525.3 (MANE Select); coding-DNA position 1008, T replaced by G.
Protein change: p.Tyr336Ter; replaces tyrosine 336 with a stop codon.
Molecular consequence: nonsense.
Genome position (GRCh38, 1-based): chr2:169,289,060, A>C on the plus strand (T>G on the coding strand, the complement: LRP2 is on the minus strand). VCF-style: chr2-169289060-A-C. GRCh37 (hg19) VCF-style: chr2-170145570-A-C.
Other names: short protein forms Y336*.
Identifiers: ClinVar variation 5013001 (VCV005013001.1).